The following is an entry in ClinVar:

ClinVar aggregate classification (germline): Uncertain significance (1 of 4 stars; one submission).

Conditions:
Hereditary cancer-predisposing syndrome. Also called: Neoplastic Syndromes, Hereditary; Tumor predisposition; Hereditary neoplastic syndrome; Hereditary Cancer Syndrome. Identifiers: Orphanet 140162, MedGen C0027672, MeSH D009386, MONDO:0015356.

Submission:

Ambry Genetics
Classification: Uncertain significance for Hereditary cancer-predisposing syndrome. Last evaluated: 2024-01-30. Review status: criteria provided, single submitter. Criteria: Ambry Variant Classification Scheme 2023. Collection method: clinical testing. Allele origin: germline.
Comment: The p.Y237D variant (also known as c.709T>G), located in coding exon 4 of the RET gene, results from a T to G substitution at nucleotide position 709. The tyrosine at codon 237 is replaced by aspartic acid, an amino acid with highly dissimilar properties. This amino acid position is conserved. In addition, the in silico prediction for this alteration is inconclusive. Based on the available evidence, the clinical significance of this alteration remains unclear.

NM_020975.6(RET):c.709T>G (p.Tyr237Asp)

Gene: RET (ret proto-oncogene; plus strand). Cytogenetic location: 10q11.21.
Variant type: single nucleotide variant.
Coding change: c.709T>G on transcript NM_020975.6 (MANE Select); coding-DNA position 709, T replaced by G.
Protein change: p.Tyr237Asp; replaces tyrosine 237 with aspartic acid.
Molecular consequence: missense variant. On other transcripts: 5 prime UTR variant (1), intron variant (22).
Genome position (GRCh38, 1-based): chr10:43,105,035, T>G. VCF-style: chr10-43105035-T-G. GRCh37 (hg19) VCF-style: chr10-43600483-T-G.
Other names: c.709T>G, p.Tyr237Asp (NM_000323.2, NM_001406743.1, NM_001406744.1 and 8 more transcripts); c.-54T>G (NM_001355216.2); c.580T>G, p.Tyr194Asp (NM_001406761.1, NM_001406762.1, NM_001406764.1 and 2 more transcripts); c.421T>G, p.Tyr141Asp (NM_001406766.1, NM_001406767.1, NM_001406770.1); c.625+2406T>G (NM_001406773.1, NM_001406771.1, NM_001406782.1 and 5 more transcripts); c.496+2406T>G (NM_001406786.1, NM_001406783.1); c.338-3996T>G (NM_001406778.1, NM_001406775.1, NM_001406776.1 and 1 more transcripts); c.337+4313T>G (NM_001406790.1, NM_001406788.1, NM_001406789.1 and 1 more transcripts); and 2 more; short protein forms Y141D, Y194D, Y237D.
Identifiers: ClinVar variation 3227566 (VCV003227566.1), dbSNP rs2132704783, ClinGen allele CA376544671.
Genomic context (GRCh38, chr10:43,105,035, plus strand): 5'-GCCCCGGACAGCCTGGAGGTGAGCACGCGCTGGGCCCTGGACCGCGAGCAGCGGGAGAAG[T>G]ACGAGCTGGTGGCCGTGTGCACCGTGCACGCCGGCGCGCGCGAGGAGGTGGTGATGGTGC-3'
Protein context (NP_066124.1, residues 227-247): WALDREQREK[Tyr237Asp]ELVAVCTVHA